The following is an entry in ClinVar:

NM_001130009.3(GEN1):c.76A>G (p.Thr26Ala)

Gene: GEN1 (GEN1 Holliday junction 5' flap endonuclease; plus strand). Cytogenetic location: 2p24.2.
Variant type: single nucleotide variant.
Coding change: c.76A>G on transcript NM_001130009.3 (MANE Select); coding-DNA position 76, A replaced by G.
Protein change: p.Thr26Ala; replaces threonine 26 with alanine.
Molecular consequence: missense variant.
Genome position (GRCh38, 1-based): chr2:17,760,019, A>G. VCF-style: chr2-17760019-A-G. GRCh37 (hg19) VCF-style: chr2-17941286-A-G.
Other names: c.76A>G, p.Thr26Ala (NM_182625.5); short protein forms T26A.
Identifiers: ClinVar variation 3853460 (VCV003853460.1).

ClinVar aggregate classification (germline): Uncertain significance (1 of 4 stars; one submission).

Submission:

Ambry Genetics
Classification: Uncertain significance. Last evaluated: 2024-12-25. Review status: criteria provided, single submitter. Criteria: Ambry Variant Classification Scheme 2023. Collection method: clinical testing. Allele origin: germline.
Comment: The p.T26A variant (also known as c.76A>G), located in coding exon 1 of the GEN1 gene, results from an A to G substitution at nucleotide position 76. The threonine at codon 26 is replaced by alanine, an amino acid with similar properties. This amino acid position is conserved. In addition, the in silico prediction for this alteration is inconclusive. Based on the available evidence, the clinical significance of this variant remains unclear.